The following is an entry in ClinVar:

NM_020919.4(ALS2):c.2527C>T (p.Arg843Ter)

Gene: ALS2 (alsin Rho guanine nucleotide exchange factor ALS2; minus strand). Cytogenetic location: 2q33.1.
Variant type: single nucleotide variant.
Coding change: c.2527C>T on transcript NM_020919.4 (MANE Select); coding-DNA position 2527, C replaced by T.
Protein change: p.Arg843Ter; replaces arginine 843 with a stop codon.
Molecular consequence: nonsense.
Genome position (GRCh38, 1-based): chr2:201,733,329, G>A on the plus strand (C>T on the coding strand, the complement: ALS2 is on the minus strand). VCF-style: chr2-201733329-G-A. GRCh37 (hg19) VCF-style: chr2-202598052-G-A.
Other names: c.2527C>T, p.Arg843Ter (NM_001410975.1); short protein forms R843*.
Identifiers: ClinVar variation 2184611 (VCV002184611.4), dbSNP rs745657866, ClinGen allele CA2058161.

ClinVar aggregate classification (germline): Pathogenic (1 of 4 stars; one submission).

Conditions:
Infantile-onset ascending hereditary spastic paralysis (IAHSP). Also called: Autosomal Recessive Juvenile Amyotrophic Lateral Sclerosis; Infantile-Onset Ascending Hereditary Spastic Paralysis (IAHSP). Identifiers: Orphanet 293168, MedGen C2931441, MONDO:0011797, OMIM 607225. Disease mechanism: loss of function.

Allele frequency attached by ClinVar (database versions not stated): ExAC 0.00001; gnomAD 0.00001; gnomAD exomes 0.00001; TOPMed 0.00004.
gnomAD v4.1: 14 of 1,613,680 alleles (0.00087%); highest among the groups gnomAD compares: South Asian, 0.0011%; no homozygotes.

Submission:

Labcorp Genetics (formerly Invitae), Labcorp
Classification: Pathogenic for Infantile-onset ascending hereditary spastic paralysis. Last evaluated: 2022-08-22. Review status: criteria provided, single submitter. Criteria: Invitae Variant Classification Sherloc (09022015). Collection method: clinical testing. Allele origin: germline.
Comment: This variant has not been reported in the literature in individuals affected with ALS2-related conditions. This sequence change creates a premature translational stop signal (p.Arg843*) in the ALS2 gene. It is expected to result in an absent or disrupted protein product. Loss-of-function variants in ALS2 are known to be pathogenic (PMID: 11586298, 24315819). This variant is present in population databases (rs745657866, gnomAD 0.002%). For these reasons, this variant has been classified as Pathogenic. Algorithms developed to predict the effect of sequence changes on RNA splicing suggest that this variant may disrupt the consensus splice site.

Literature cited by the submitters: PubMed 11586298; PubMed 24315819.